The following is an entry in ClinVar:

NM_019066.5(MAGEL2):c.769G>A (p.Ala257Thr)

Gene: MAGEL2 (MAGE family member L2; minus strand). Cytogenetic location: 15q11.2.
Variant type: single nucleotide variant.
Coding change: c.769G>A on transcript NM_019066.5 (MANE Select); coding-DNA position 769, G replaced by A.
Protein change: p.Ala257Thr; replaces alanine 257 with threonine.
Molecular consequence: missense variant.
Genome position (GRCh38, 1-based): chr15:23,646,974, C>T on the plus strand (G>A on the coding strand, the complement: MAGEL2 is on the minus strand). VCF-style: chr15-23646974-C-T. GRCh37 (hg19) VCF-style: chr15-23892121-C-T.
Other names: short protein forms A257T.
Identifiers: ClinVar variation 3355853 (VCV003355853.1).
Genomic context (GRCh38, chr15:23,646,974, plus strand): 5'-GTGCTCCTGAAGGCTGAGGCTGGGTCATCATGGCTGCTGGAGGCGGCTGGACCATCGGTG[C>T]TCCCGGAGCAGCAGGCTGGACCATCAGGACTCCCGGAGTCAGAGGCTGGGCCATCAGGAC-3'
Protein context (NP_061939.3, residues 247-267): VLMVQPAAPG[Ala257Thr]PMVQPPPAAM

ClinVar aggregate classification (germline): Uncertain significance (0 of 4 stars; one submission).

Conditions:
MAGEL2-related disorder. Also called: MAGEL2-related condition.

Submission:

PreventionGenetics, part of Exact Sciences
Classification: Uncertain significance for MAGEL2-related condition. Last evaluated: 2024-08-07. Review status: no assertion criteria provided. Collection method: clinical testing. Allele origin: germline.
Comment: The MAGEL2 c.769G>A variant is predicted to result in the amino acid substitution p.Ala257Thr. To our knowledge, this variant has not been reported in the literature. This variant is reported in 0.0044% of alleles in individuals of South Asian descent in gnomAD. At this time, the clinical significance of this variant is uncertain due to the absence of conclusive functional and genetic evidence.